The following is an entry in ClinVar:

ClinVar aggregate classification (germline): Conflicting classifications of pathogenicity. Review status: criteria provided, conflicting classifications (1 of 4 stars). 3 submissions from 3 submitters: Uncertain significance (2); Likely benign (1). Last evaluated 2026-09-01.

Conditions:
TRIM63-related disorder. Also called: TRIM63-related condition.

gnomAD v4.1: 349 of 1,593,182 alleles (0.022%); highest among the groups gnomAD compares: Middle Eastern, 0.05%; no homozygotes.

Submissions (3):

CeGaT Center for Human Genetics Tuebingen
Classification: Uncertain significance. Last evaluated: 2026-09-01. Review status: criteria provided, single submitter. Criteria: CeGaT Center For Human Genetics Tuebingen Variant Classification Criteria Version 2. Collection method: clinical testing. Allele origin: germline. Affected: yes. Observed: 1 variant allele.
Comment: TRIM63: PM2, BP4

PreventionGenetics, part of Exact Sciences
Classification: Likely benign for TRIM63-related condition. Last evaluated: 2026-02-17. Review status: criteria provided, single submitter. Criteria: ACMG Guidelines, 2015. Collection method: clinical testing. Allele origin: germline.
Comment: This variant is classified as likely benign based on ACMG/AMP sequence variant interpretation guidelines (Richards et al. 2015 PMID: 25741868, with internal and published modifications).

Women's Health and Genetics/Laboratory Corporation of America, LabCorp
Classification: Uncertain significance. Last evaluated: 2025-12-08. Review status: criteria provided, single submitter. Criteria: LabCorp Variant Classification Summary - May 2015. Collection method: clinical testing. Allele origin: germline.
Comment: Variant summary: TRIM63 c.1012G>T (p.Asp338Tyr) results in a non-conservative amino acid change in the encoded protein sequence. Algorithms developed to predict the effect of missense changes on protein structure and function are either unavailable or do not agree on the potential impact of this missense change. The variant allele was found at a frequency of 0.00029 in 230640 control chromosomes. This frequency is not significantly higher than estimated for disease-causing variants in TRIM63, allowing no conclusion about variant significance. c.1012G>T has been observed in an individual with arrhythmogenic cardiomyopathy and in an individual with primary symptomatic left ventricular noncompaction, without strong evidence of causality (example: Brodehl_2021, Grebur_2024). These reports do not provide unequivocal conclusions about association of the variant with Hypertrophic Cardiomyopathy, Autosomal Recessive. To our knowledge, no experimental evidence demonstrating an impact on protein function has been reported. The following publications have been ascertained in the context of this evaluation (PMID: 33917638, 39236040, 38813989). No submitters have cited clinical-significance assessments for this variant to ClinVar. Based on the evidence outlined above, the variant was classified as uncertain significance.

Literature cited by the submitters: PubMed 38813989 (cited by Women's Health and Genetics/Laboratory Corporation of America, LabCorp); PubMed 33917638 (cited by Women's Health and Genetics/Laboratory Corporation of America, LabCorp); PubMed 39236040 (cited by Women's Health and Genetics/Laboratory Corporation of America, LabCorp).

NM_032588.4(TRIM63):c.1012G>T (p.Asp338Tyr)

Gene: TRIM63 (tripartite motif containing 63; minus strand). Cytogenetic location: 1p36.11.
Variant type: single nucleotide variant.
Coding change: c.1012G>T on transcript NM_032588.4 (MANE Select); coding-DNA position 1012, G replaced by T.
Protein change: p.Asp338Tyr; replaces aspartic acid 338 with tyrosine.
Molecular consequence: missense variant.
Genome position (GRCh38, 1-based): chr1:26,053,932, C>A on the plus strand (G>T on the coding strand, the complement: TRIM63 is on the minus strand). VCF-style: chr1-26053932-C-A. GRCh37 (hg19) VCF-style: chr1-26380423-C-A.
Other names: short protein forms D338Y.
Identifiers: ClinVar variation 4688506 (VCV004688506.3).
Genomic context (GRCh38, chr1:26,053,932, plus strand): 5'-GGAGGTAGATGAATTTCTTACCTTCTTCCTTCCCTTCTGTGGACTCTTCCTCTTCCTGAT[C>A]TTCTTCTTCAATGAATTCTTCCTCTTCCTCATCTGTGACAAAAAAACATTTGTGTTAGGA-3'
Protein context (NP_115977.2, residues 328-348): EEEEEFIEEE[Asp338Tyr]QEEEESTEGK